The following is an entry in ClinVar:

NM_000452.3(SLC10A2):c.80A>G (p.Asn27Ser)

Gene: SLC10A2 (solute carrier family 10 member 2; minus strand). Cytogenetic location: 13q33.1.
Variant type: single nucleotide variant.
Coding change: c.80A>G on transcript NM_000452.3 (MANE Select); coding-DNA position 80, A replaced by G.
Protein change: p.Asn27Ser; replaces asparagine 27 with serine.
Molecular consequence: missense variant.
Genome position (GRCh38, 1-based): chr13:103,066,170, T>C on the plus strand (A>G on the coding strand, the complement: SLC10A2 is on the minus strand). VCF-style: chr13-103066170-T-C. GRCh37 (hg19) VCF-style: chr13-103718520-T-C.
Other names: c.80A>G (NM_000452.2); short protein forms N27S.
Identifiers: ClinVar variation 807040 (VCV000807040.49), dbSNP rs147075283, ClinGen allele CA7042351.
Genomic context (GRCh38, chr13:103,066,170, plus strand): 5'-AACATCACCAAGGCCAACAGGATGGTCAGCACCGTACTTAGGACCACACTTAGGATGTTA[T>C]TGAAATTGCTCTCAGGTACCACACAGGATGCACCAGAGCAAACTGTTGCATTGTCCACAC-3'
Protein context (NP_000443.2, residues 17-37): ASCVVPESNF[Asn27Ser]NILSVVLSTV

ClinVar aggregate classification (germline): Conflicting classifications of pathogenicity. Review status: criteria provided, conflicting classifications (1 of 4 stars). 5 submissions from 5 submitters: Uncertain significance (3); Benign (1). 1 of the submissions does not count toward it. Last evaluated 2026-01-20.

Conditions:
SLC10A2-related disorder. Also called: SLC10A2-related condition.

Allele frequency attached by ClinVar (database versions not stated): 1000 Genomes Project 0.00040; gnomAD exomes 0.00045 and 0.00063; ESP Exome Variant Server 0.00046; gnomAD 0.00046; 1000 Genomes Project 30x 0.00047; ExAC 0.00049; TOPMed 0.00057.
gnomAD v4.1: 748 of 1,614,116 alleles (0.046%); highest among the groups gnomAD compares: Admixed American, 0.075%; 1 homozygote.

Submissions (5):

Labcorp Genetics (formerly Invitae), Labcorp
Classification: Benign. Last evaluated: 2026-01-20. Review status: criteria provided, single submitter. Criteria: Invitae Variant Classification Sherloc (09022015). Collection method: clinical testing. Allele origin: germline.

GeneDx
Classification: Uncertain significance. Last evaluated: 2023-02-06. Review status: criteria provided, single submitter. Criteria: GeneDx Variant Classification Process June 2021. Collection method: clinical testing. Allele origin: germline. Affected: yes.
Comment: In silico analysis supports that this missense variant does not alter protein structure/function; Has not been previously published as pathogenic or benign to our knowledge

CeGaT Center for Human Genetics Tuebingen
Classification: Uncertain significance. Last evaluated: 2016-06-01. Review status: criteria provided, single submitter. Criteria: CeGaT Center For Human Genetics Tuebingen Variant Classification Criteria Version 2. Collection method: clinical testing. Allele origin: germline. Affected: yes. Observed: 1 variant allele.

Breakthrough Genomics
Classification: Uncertain significance. Review status: criteria provided, single submitter. Criteria: ACMG Guidelines, 2015. Collection method: not provided. Allele origin: germline. Inheritance: Autosomal recessive inheritance. Affected: yes.

PreventionGenetics, part of Exact Sciences
Classification: Benign for SLC10A2-related condition. Last evaluated: 2024-08-29. Review status: no assertion criteria provided. Collection method: clinical testing. Allele origin: germline. Not counted in ClinVar's aggregate classification.
Comment: This variant is classified as benign based on ACMG/AMP sequence variant interpretation guidelines (Richards et al. 2015 PMID: 25741868, with internal and published modifications).